The following is an entry in ClinVar:

ClinVar aggregate classification (germline): Benign/Likely benign. Review status: criteria provided, multiple submitters, no conflicts (2 of 4 stars). 4 submissions from 4 submitters: Benign (1); Likely benign (3). Last evaluated 2025-09-29.

Conditions:
Hereditary cancer-predisposing syndrome. Also called: Neoplastic Syndromes, Hereditary; Tumor predisposition; Hereditary Cancer Syndrome; Hereditary neoplastic syndrome. Identifiers: Orphanet 140162, MedGen C0027672, MeSH D009386, MONDO:0015356.
Familial adenomatous polyposis 1 (FAP1). Also called: FAMILIAL ADENOMATOUS POLYPOSIS 1, ATTENUATED; POLYPOSIS, ADENOMATOUS INTESTINAL. Identifiers: MedGen C2713442, MONDO:0021056, OMIM 175100. Disease mechanism: loss of function.

Allele frequency attached by ClinVar (database versions not stated): gnomAD exomes below 0.00001; ExAC 0.00001; gnomAD 0.00001; TOPMed 0.00001; ESP Exome Variant Server 0.00008.
gnomAD v4.1: 1 of 1,613,820 alleles (0.000062%); highest among the groups gnomAD compares: Non-Finnish European, 0.000085%; no homozygotes.

Submissions (4):

Color Diagnostics, LLC DBA Color Health
Classification: Likely benign for Hereditary cancer-predisposing syndrome. Last evaluated: 2025-09-29. Review status: criteria provided, single submitter. Criteria: ACMG Guidelines, 2015. Collection method: clinical testing. Allele origin: germline.

Myriad Genetics, Inc.
Classification: Benign for Familial adenomatous polyposis 1. Last evaluated: 2024-03-06. Review status: criteria provided, single submitter. Criteria: Myriad Autosomal Dominant, Autosomal Recessive and X-Linked Classification Criteria (2023). Collection method: clinical testing. Allele origin: unknown.
Comment: This variant is considered benign. This variant is a silent/synonymous amino acid change and it is not expected to impact splicing.

Labcorp Genetics (formerly Invitae), Labcorp
Classification: Likely benign for Familial adenomatous polyposis 1. Last evaluated: 2022-10-05. Review status: criteria provided, single submitter. Criteria: Invitae Variant Classification Sherloc (09022015). Collection method: clinical testing. Allele origin: germline.

Ambry Genetics
Classification: Likely benign for Hereditary cancer-predisposing syndrome. Last evaluated: 2019-11-06. Review status: criteria provided, single submitter. Criteria: Ambry Variant Classification Scheme 2023. Collection method: clinical testing. Allele origin: germline.

NM_000038.6(APC):c.1668T>C (p.Asp556=)

Gene: APC (APC regulator of Wnt signaling pathway; plus strand). Cytogenetic location: 5q22.2.
Variant type: single nucleotide variant.
Coding change: c.1668T>C on transcript NM_000038.6 (MANE Select); coding-DNA position 1668, T replaced by C.
Protein change: p.Asp556=; no amino-acid change (aspartic acid 556 retained).
Molecular consequence: synonymous variant.
Genome position (GRCh38, 1-based): chr5:112,828,897, T>C. VCF-style: chr5-112828897-T-C. GRCh37 (hg19) VCF-style: chr5-112164594-T-C.
Other names: c.1668T>C, p.Asp556= (NM_001127510.3, NM_001354895.2); c.1614T>C, p.Asp538= (NM_001127511.3); c.1722T>C, p.Asp574= (NM_001354896.2); c.1698T>C, p.Asp566= (NM_001354897.2); c.1593T>C, p.Asp531= (NM_001354898.2); c.1584T>C, p.Asp528= (NM_001354899.2); c.1545T>C, p.Asp515= (NM_001354900.2); c.1491T>C, p.Asp497= (NM_001354901.2); and 5 more.
Identifiers: ClinVar variation 819776 (VCV000819776.14), dbSNP rs377045570, ClinGen allele CA028961.